The following is an entry in ClinVar:

NM_000081.4(LYST):c.5104G>A (p.Gly1702Ser)

Gene: LYST (lysosomal trafficking regulator; minus strand). Cytogenetic location: 1q42.3.
Variant type: single nucleotide variant.
Coding change: c.5104G>A on transcript NM_000081.4 (MANE Select); coding-DNA position 5104, G replaced by A.
Protein change: p.Gly1702Ser; replaces glycine 1702 with serine.
Molecular consequence: missense variant.
Genome position (GRCh38, 1-based): chr1:235,780,975, C>T on the plus strand (G>A on the coding strand, the complement: LYST is on the minus strand). VCF-style: chr1-235780975-C-T. GRCh37 (hg19) VCF-style: chr1-235944275-C-T.
Other names: c.5104G>A, p.Gly1702Ser (NM_001301365.1); short protein forms G1702S.
Identifiers: ClinVar variation 3644511 (VCV003644511.2).

ClinVar aggregate classification (germline): Uncertain significance (1 of 4 stars; one submission).

Conditions:
Chédiak-Higashi syndrome (CHS). Also called: Chediak-Higashi Syndrome. Identifiers: Orphanet 167, MedGen C0007965, MONDO:0008963, OMIM 214500.

Submission:

Labcorp Genetics (formerly Invitae), Labcorp
Classification: Uncertain significance for Chédiak-Higashi syndrome. Last evaluated: 2024-03-04. Review status: criteria provided, single submitter. Criteria: Invitae Variant Classification Sherloc (09022015). Collection method: clinical testing. Allele origin: germline.
Comment: This sequence change replaces glycine, which is neutral and non-polar, with serine, which is neutral and polar, at codon 1702 of the LYST protein (p.Gly1702Ser). This variant is not present in population databases (gnomAD no frequency). This variant has not been reported in the literature in individuals affected with LYST-related conditions. Advanced modeling of protein sequence and biophysical properties (such as structural, functional, and spatial information, amino acid conservation, physicochemical variation, residue mobility, and thermodynamic stability) performed at Invitae indicates that this missense variant is not expected to disrupt LYST protein function with a negative predictive value of 80%. In summary, the available evidence is currently insufficient to determine the role of this variant in disease. Therefore, it has been classified as a Variant of Uncertain Significance.